The following is an entry in ClinVar:

NM_020975.6(RET):c.2759T>C (p.Ile920Thr)

Gene: RET (ret proto-oncogene; plus strand). Cytogenetic location: 10q11.21.
Variant type: single nucleotide variant.
Coding change: c.2759T>C on transcript NM_020975.6 (MANE Select); coding-DNA position 2759, T replaced by C.
Protein change: p.Ile920Thr; replaces isoleucine 920 with threonine.
Molecular consequence: missense variant.
Genome position (GRCh38, 1-based): chr10:43,121,974, T>C. VCF-style: chr10-43121974-T-C. GRCh37 (hg19) VCF-style: chr10-43617422-T-C.
Other names: c.2759T>C, p.Ile920Thr (NM_000323.2, NM_001406743.1, NM_001406744.1 and 4 more transcripts); c.1997T>C, p.Ile666Thr (NM_001355216.2); c.2630T>C, p.Ile877Thr (NM_001406761.1, NM_001406762.1, NM_001406764.1); c.2624T>C, p.Ile875Thr (NM_001406763.1, NM_001406765.1); c.2471T>C, p.Ile824Thr (NM_001406766.1, NM_001406767.1, NM_001406770.1); c.2495T>C, p.Ile832Thr (NM_001406768.1); c.2363T>C, p.Ile788Thr (NM_001406769.1, NM_001406772.1); c.2321T>C, p.Ile774Thr (NM_001406771.1, NM_001406773.1); and 10 more; short protein forms I581T, I590T, I877T, I920T, I525T, I678T, I788T, I437T.
Identifiers: ClinVar variation 1795647 (VCV001795647.3), dbSNP rs778330709, ClinGen allele CA040874.

ClinVar aggregate classification (germline): Uncertain significance (1 of 4 stars; one submission).

Conditions:
Hereditary cancer-predisposing syndrome. Also called: Tumor predisposition; Hereditary Cancer Syndrome; Neoplastic Syndromes, Hereditary; Hereditary neoplastic syndrome. Identifiers: Orphanet 140162, MedGen C0027672, MeSH D009386, MONDO:0015356.

Allele frequency attached by ClinVar (database versions not stated): gnomAD exomes below 0.00001; ExAC 0.00001.
gnomAD v4.1: 1 of 1,613,588 alleles (0.000062%); highest among the groups gnomAD compares: South Asian, 0.0011%; no homozygotes.

Submission:

Ambry Genetics
Classification: Uncertain significance for Hereditary cancer-predisposing syndrome. Last evaluated: 2025-09-08. Review status: criteria provided, single submitter. Criteria: Ambry Variant Classification Scheme 2023. Collection method: clinical testing. Allele origin: germline.
Comment: The p.I920T variant (also known as c.2759T>C), located in coding exon 16 of the RET gene, results from a T to C substitution at nucleotide position 2759. The isoleucine at codon 920 is replaced by threonine, an amino acid with similar properties. This amino acid position is highly conserved in available vertebrate species. In addition, this alteration is predicted to be deleterious by in silico analysis. Based on the available evidence, the clinical significance of this variant remains unclear.